The following is an entry in ClinVar:

ClinVar aggregate classification (germline): Likely benign (1 of 4 stars; one submission).

Conditions:
RPH3A-related condition.

gnomAD v4.1: 60 of 1,612,714 alleles (0.0037%); highest among the groups gnomAD compares: Admixed American, 0.085%; 1 homozygote.

Submission:

PreventionGenetics, part of Exact Sciences
Classification: Likely benign for RPH3A-related condition. Last evaluated: 2024-10-22. Review status: criteria provided, single submitter. Criteria: ACMG Guidelines, 2015. Collection method: clinical testing. Allele origin: germline.
Comment: This variant is classified as likely benign based on ACMG/AMP sequence variant interpretation guidelines (Richards et al. 2015 PMID: 25741868, with internal and published modifications).

NM_001143854.2(RPH3A):c.610+6A>G

Gene: RPH3A (rabphilin 3A; plus strand). Cytogenetic location: 12q24.13.
Variant type: single nucleotide variant.
Coding change: c.610+6A>G on transcript NM_001143854.2 (MANE Select); 6 bases into the intron after coding-DNA position 610, A replaced by G.
Molecular consequence: intron variant.
Genome position (GRCh38, 1-based): chr12:112,868,601, A>G. VCF-style: chr12-112868601-A-G. GRCh37 (hg19) VCF-style: chr12-113306406-A-G.
Other names: c.610+6A>G (NM_001347952.2, NM_001347953.1, NM_001347954.2); c.598+6A>G (NM_014954.4); c.409+6A>G (NM_001347955.2).
Identifiers: ClinVar variation 4980705 (VCV004980705.1).
Genomic context (GRCh38, chr12:112,868,601, plus strand): 5'-GCCCCTGAACAGCCTGCTCCTGAGCCCAAGCACCCTGCCCGGGCTCCAGCTCGAGGTAGG[A>G]CAAAACAGGTGCTTCTTTCAGGACCAAGGACAGATCTTAGCCAACTGGTCTACCTGAGGG-3'